The following is an entry in ClinVar:

NM_000051.4(ATM):c.1608-4A>G

Gene: ATM (ATM serine/threonine kinase; plus strand). Cytogenetic location: 11q22.3.
Variant type: single nucleotide variant.
Coding change: c.1608-4A>G on transcript NM_000051.4 (MANE Select); 4 bases into the intron before coding-DNA position 1608, A replaced by G.
Molecular consequence: intron variant.
Genome position (GRCh38, 1-based): chr11:108,251,833, A>G. VCF-style: chr11-108251833-A-G. GRCh37 (hg19) VCF-style: chr11-108122560-A-G.
Other names: c.1608-4A>G (NM_001351834.2).
Identifiers: ClinVar variation 928015 (VCV000928015.12), dbSNP rs2080162473, ClinGen allele CA913188409.
Genomic context (GRCh38, chr11:108,251,833, plus strand): 5'-GATAGATAAAGTCTTTGCCCCTCCAATAGCTTGCTTTTCACAATTGTCCTTTGTTTTGTT[A>G]TAGTCCTGCAGTATGCTGTTTGACTTTGGCACTGACCACCAGTATAGTTCCAGGAACGGT-3'

ClinVar aggregate classification (germline): Likely benign. Review status: criteria provided, multiple submitters, no conflicts (2 of 4 stars). 4 submissions from 4 submitters: Likely benign (4). Last evaluated 2024-04-30.

Conditions:
Ataxia-telangiectasia syndrome (AT). Also called: Ataxia-telangiectasia, complementation group D; Cerebello-oculocutaneous telangiectasia; Immunodeficiency with ataxia telangiectasia; LOUIS-BAR SYNDROME; Ataxia-telangiectasia; AT, COMPLEMENTATION GROUP C. Identifiers: Orphanet 100, MedGen C0004135, MONDO:0008840, OMIM 208900.
Hereditary cancer-predisposing syndrome. Also called: Tumor predisposition; Hereditary neoplastic syndrome; Neoplastic Syndromes, Hereditary; Hereditary Cancer Syndrome. Identifiers: Orphanet 140162, MedGen C0027672, MeSH D009386, MONDO:0015356.
Familial cancer of breast. Also called: BREAST CANCER, FAMILIAL; hereditary breast carcinoma; Hereditary breast cancer. Identifiers: Orphanet 227535, MedGen C0346153, MONDO:0016419, OMIM 114480. Disease mechanism: loss of function.

Allele frequency attached by ClinVar (database versions not stated): gnomAD exomes below 0.00001.
gnomAD v4.1: 3 of 1,613,712 alleles (0.00019%); highest among the groups gnomAD compares: East Asian, 0.0022%; no homozygotes.

Submissions (4):

Myriad Genetics, Inc.
Classification: Likely benign for Familial cancer of breast. Last evaluated: 2024-04-30. Review status: criteria provided, single submitter. Criteria: Myriad Autosomal Dominant, Autosomal Recessive and X-Linked Classification Criteria (2023). Collection method: clinical testing. Allele origin: unknown.
Comment: This variant is considered likely benign. This variant is intronic and is not expected to impact mRNA splicing.

Labcorp Genetics (formerly Invitae), Labcorp
Classification: Likely benign for Ataxia-telangiectasia syndrome. Last evaluated: 2023-05-17. Review status: criteria provided, single submitter. Criteria: Invitae Variant Classification Sherloc (09022015). Collection method: clinical testing. Allele origin: germline.

Ambry Genetics
Classification: Likely benign for Hereditary cancer-predisposing syndrome. Last evaluated: 2023-05-05. Review status: criteria provided, single submitter. Criteria: Ambry Variant Classification Scheme 2023. Collection method: clinical testing. Allele origin: germline.

Color Diagnostics, LLC DBA Color Health
Classification: Likely benign for Hereditary cancer-predisposing syndrome. Last evaluated: 2019-01-16. Review status: criteria provided, single submitter. Criteria: ACMG Guidelines, 2015. Collection method: clinical testing. Allele origin: germline.